The following is an entry in ClinVar:

ClinVar aggregate classification (germline): Likely benign (0 of 4 stars; one submission).

Conditions:
PLXNA1-related disorder. Also called: PLXNA1-related condition.

Allele frequency attached by ClinVar (database versions not stated): gnomAD 0.00007; TOPMed 0.00011; ExAC 0.00019.
gnomAD v4.1: 85 of 1,613,940 alleles (0.0053%); highest among the groups gnomAD compares: East Asian, 0.062%; no homozygotes.

Submission:

PreventionGenetics, part of Exact Sciences
Classification: Likely benign for PLXNA1-related condition. Last evaluated: 2021-07-21. Review status: no assertion criteria provided. Collection method: clinical testing. Allele origin: germline.
Comment: This variant is classified as likely benign based on ACMG/AMP sequence variant interpretation guidelines (Richards et al. 2015 PMID: 25741868, with internal and published modifications).

NM_032242.4(PLXNA1):c.5157C>T (p.Phe1719=)

Gene: PLXNA1 (plexin A1; plus strand). Cytogenetic location: 3q21.3.
Variant type: single nucleotide variant.
Coding change: c.5157C>T on transcript NM_032242.4 (MANE Select); coding-DNA position 5157, C replaced by T.
Protein change: p.Phe1719=; no amino-acid change (phenylalanine 1719 retained).
Molecular consequence: synonymous variant.
Genome position (GRCh38, 1-based): chr3:127,030,338, C>T. VCF-style: chr3-127030338-C-T. GRCh37 (hg19) VCF-style: chr3-126749181-C-T.
Identifiers: ClinVar variation 3060064 (VCV003060064.2), dbSNP rs765045058, ClinGen allele CA2594630.
Genomic context (GRCh38, chr3:127,030,338, plus strand): 5'-GACCATCTTCAGCACGGCACACCGGGGCTCAGCCCTGCCGCTGGCCATCAAGTACATGTT[C>T]GACTTCCTGGATGAGCAGGCCGACAAGCACCAGATCCACGATGCTGACGTGCGCCACACC-3'
Protein context (NP_115618.3, residues 1709-1729): SALPLAIKYM[Phe1719=]DFLDEQADKH